The following is an entry in ClinVar:

ClinVar aggregate classification (germline): Likely benign. Review status: criteria provided, single submitter (1 of 4 stars). 2 submissions from 2 submitters: Likely benign (1). 1 of the submissions does not count toward it. Last evaluated 2025-06-20.

Conditions:
GLUT1 deficiency syndrome 1, autosomal recessive. Identifiers: MedGen C3149117.
SLC2A1-related disorder. Also called: SLC2A1-related condition; SLC2A1-related disorders.

Allele frequency attached by ClinVar (database versions not stated): ExAC 0.00001; gnomAD exomes 0.00002; gnomAD 0.00003; ESP Exome Variant Server 0.00008.
gnomAD v4.1: 29 of 1,600,682 alleles (0.0018%); highest among the groups gnomAD compares: Middle Eastern, 0.016%; no homozygotes.

Submissions (2):

Labcorp Genetics (formerly Invitae), Labcorp
Classification: Likely benign for GLUT1 deficiency syndrome 1, autosomal recessive. Last evaluated: 2025-06-20. Review status: criteria provided, single submitter. Criteria: Invitae Variant Classification Sherloc (09022015). Collection method: clinical testing. Allele origin: germline.

PreventionGenetics, part of Exact Sciences
Classification: Likely benign for SLC2A1-related condition. Last evaluated: 2023-12-21. Review status: no assertion criteria provided. Collection method: clinical testing. Allele origin: germline. Not counted in ClinVar's aggregate classification.
Comment: This variant is classified as likely benign based on ACMG/AMP sequence variant interpretation guidelines (Richards et al. 2015 PMID: 25741868, with internal and published modifications).

NM_006516.4(SLC2A1):c.315G>C (p.Val105=)

Gene: SLC2A1 (solute carrier family 2 member 1; minus strand). Cytogenetic location: 1p34.2.
Variant type: single nucleotide variant.
Coding change: c.315G>C on transcript NM_006516.4 (MANE Select); coding-DNA position 315, G replaced by C.
Protein change: p.Val105=; no amino-acid change (valine 105 retained).
Molecular consequence: synonymous variant.
Genome position (GRCh38, 1-based): chr1:42,930,827, C>G on the plus strand (G>C on the coding strand, the complement: SLC2A1 is on the minus strand). VCF-style: chr1-42930827-C-G. GRCh37 (hg19) VCF-style: chr1-43396498-C-G.
Other names: c.315G>C (NM_006516.2).
Identifiers: ClinVar variation 2057509 (VCV002057509.6), dbSNP rs149047158, ClinGen allele CA803559.